The following is an entry in ClinVar:

NM_001846.4(COL4A2):c.1550G>A (p.Arg517Lys)

Genes: COL4A2 (collagen type IV alpha 2 chain; plus strand), COL4A2-AS2 (COL4A2 antisense RNA 2; minus strand). Cytogenetic location: 13q34.
Variant type: single nucleotide variant.
Coding change: c.1550G>A on transcript NM_001846.4 (MANE Select); coding-DNA position 1550, G replaced by A.
Protein change: p.Arg517Lys; replaces arginine 517 with lysine.
Molecular consequence: missense variant.
Genome position (GRCh38, 1-based): chr13:110,458,888, G>A. VCF-style: chr13-110458888-G-A. GRCh37 (hg19) VCF-style: chr13-111111235-G-A.
Other names: short protein forms R517K.
Identifiers: ClinVar variation 311129 (VCV000311129.23), dbSNP rs7990383, ClinGen allele CA7049619.

ClinVar aggregate classification (germline): Benign. Review status: criteria provided, multiple submitters, no conflicts (2 of 4 stars). 9 submissions from 9 submitters: Benign (7). 2 of the submissions do not count toward it. Last evaluated 2026-02-03.

Conditions:
Brain small vessel disease 2A, autosomal dominant. Also called: Porencephaly 2. Identifiers: Orphanet 2940, Orphanet 99810, MedGen C3280970, MONDO:0013773, OMIM 614483.

Allele frequency attached by ClinVar (database versions not stated): 1000 Genomes Project 0.50919; gnomAD exomes 0.57674 and 0.52354; gnomAD 0.58581 and 0.59592; TOPMed 0.59442; ESP Exome Variant Server 0.63458; 1000 Genomes Project 30x 0.51765; ExAC 0.53895.
gnomAD v4.1: 929,100 of 1,608,274 alleles (58%); highest among the groups gnomAD compares: African/African-American, 69%; 275,583 homozygotes.

Submissions (9):

Labcorp Genetics (formerly Invitae), Labcorp
Classification: Benign. Last evaluated: 2026-02-03. Review status: criteria provided, single submitter. Criteria: Invitae Variant Classification Sherloc (09022015). Collection method: clinical testing. Allele origin: germline.

Blueprint Genetics
Classification: Benign. Last evaluated: 2024-11-27. Review status: criteria provided, single submitter. Criteria: ACMG Guidelines, 2015. Collection method: clinical testing. Allele origin: germline.

Mayo Clinic Laboratories, Mayo Clinic
Classification: Benign. Last evaluated: 2022-04-26. Review status: criteria provided, single submitter. Criteria: ACMG Guidelines, 2015. Collection method: clinical testing. Allele origin: germline. Observed: 246 variant alleles.

Genome-Nilou Lab
Classification: Benign for Brain small vessel disease 2A, autosomal dominant. Last evaluated: 2021-07-22. Review status: criteria provided, single submitter. Criteria: ACMG Guidelines, 2015. Collection method: clinical testing. Allele origin: germline. Affected: no.

GeneDx
Classification: Benign. Last evaluated: 2018-03-24. Review status: criteria provided, single submitter. Criteria: GeneDx Variant Classification (06012015). Collection method: clinical testing. Allele origin: germline. Affected: yes.
Comment: This variant is considered likely benign or benign based on one or more of the following criteria: it is a conservative change, it occurs at a poorly conserved position in the protein, it is predicted to be benign by multiple in silico algorithms, and/or has population frequency not consistent with disease.

Illumina Laboratory Services, Illumina
Classification: Benign for Brain small vessel disease 2A, autosomal dominant. Last evaluated: 2018-01-13. Review status: criteria provided, single submitter. Criteria: ICSL Variant Classification Criteria 13 December 2019. Collection method: clinical testing. Allele origin: germline.
Comment: This variant was observed in the ICSL laboratory as part of a predisposition screen in an ostensibly healthy population. It had not been previously curated by ICSL or reported in the Human Gene Mutation Database (HGMD: prior to June 1st, 2018), and was therefore a candidate for classification through an automated scoring system. Utilizing variant allele frequency, disease prevalence and penetrance estimates, and inheritance mode, an automated score was calculated to assess if this variant is too frequent to cause the disease. Based on the score and internal cut-off values, a variant classified as benign is not then subjected to further curation. The score for this variant resulted in a classification of benign for this disease.

Breakthrough Genomics
Classification: Benign. Review status: criteria provided, single submitter. Criteria: ACMG Guidelines, 2015. Collection method: not provided. Allele origin: germline. Inheritance: Autosomal dominant inheritance. Affected: yes.

Clinical Genetics DNA and cytogenetics Diagnostics Lab, Erasmus MC, Erasmus Medical Center
Classification: Benign. Review status: no assertion criteria provided. Collection method: clinical testing. Allele origin: germline. Affected: yes. Study: VKGL Data-share Consensus. Not counted in ClinVar's aggregate classification.

Diagnostic Laboratory, Department of Genetics, University Medical Center Groningen
Classification: Benign. Review status: no assertion criteria provided. Collection method: clinical testing. Allele origin: germline. Affected: yes. Study: VKGL Data-share Consensus. Not counted in ClinVar's aggregate classification.